The following is an entry in ClinVar:

NM_001349.4(DARS1):c.1417T>C (p.Leu473=)

Gene: DARS1 (aspartyl-tRNA synthetase 1; minus strand). Cytogenetic location: 2q21.3.
Variant type: single nucleotide variant.
Coding change: c.1417T>C on transcript NM_001349.4 (MANE Select); coding-DNA position 1417, T replaced by C.
Protein change: p.Leu473=; no amino-acid change (leucine 473 retained).
Molecular consequence: synonymous variant.
Genome position (GRCh38, 1-based): chr2:135,907,405, A>G on the plus strand (T>C on the coding strand, the complement: DARS1 is on the minus strand). VCF-style: chr2-135907405-A-G. GRCh37 (hg19) VCF-style: chr2-136664975-A-G.
Other names: p.Leu473=; c.1117T>C, p.Leu373= (NM_001293312.1).
Identifiers: ClinVar variation 380521 (VCV000380521.12), dbSNP rs76296777, ClinGen allele CA1889446.
Genomic context (GRCh38, chr2:135,907,405, plus strand): 5'-GGAACATGGAGGTCTGACGAACATTATGCAATCCCAGAAACAGCATAGTAACTCGTTCCA[A>G]TCCTGGGGAAGACAAAAATAATCATTAATTCCTTTTTGAAAATCTCTCAGGGTCTTACTT-3'
Protein context (NP_001340.2, residues 463-483): APPHAGGGIG[Leu473=]ERVTMLFLGL

ClinVar aggregate classification (germline): Benign. Review status: criteria provided, multiple submitters, no conflicts (2 of 4 stars). 4 submissions from 4 submitters: Benign (4). Last evaluated 2026-01-29.

Allele frequency attached by ClinVar (database versions not stated): gnomAD exomes 0.00622 and 0.01199; ExAC 0.01360; ESP Exome Variant Server 0.02268; gnomAD 0.02290 and 0.02298; TOPMed 0.02470; 1000 Genomes Project 0.03435; 1000 Genomes Project 30x 0.03545.
gnomAD v4.1: 12,839 of 1,608,994 alleles (0.8%); highest among the groups gnomAD compares: African/African-American, 6.7%; 270 homozygotes.

Submissions (4):

Labcorp Genetics (formerly Invitae), Labcorp
Classification: Benign. Last evaluated: 2026-01-29. Review status: criteria provided, single submitter. Criteria: Invitae Variant Classification Sherloc (09022015). Collection method: clinical testing. Allele origin: germline.

Mayo Clinic Laboratories, Mayo Clinic
Classification: Benign. Last evaluated: 2022-03-24. Review status: criteria provided, single submitter. Criteria: ACMG Guidelines, 2015. Collection method: clinical testing. Allele origin: germline. Observed: 4 variant alleles.

GeneDx
Classification: Benign. Last evaluated: 2016-02-15. Review status: criteria provided, single submitter. Criteria: GeneDx Variant Classification (06012015). Collection method: clinical testing. Allele origin: germline. Affected: yes.
Comment: This variant is considered likely benign or benign based on one or more of the following criteria: it is a conservative change, it occurs at a poorly conserved position in the protein, it is predicted to be benign by multiple in silico algorithms, and/or has population frequency not consistent with disease.

Breakthrough Genomics
Classification: Benign. Review status: criteria provided, single submitter. Criteria: ACMG Guidelines, 2015. Collection method: not provided. Allele origin: germline. Inheritance: Autosomal recessive inheritance. Affected: yes.